The following is an entry in ClinVar:

NM_000282.4(PCCA):c.412G>A (p.Ala138Thr)

Gene: PCCA (propionyl-CoA carboxylase subunit alpha; plus strand). Cytogenetic location: 13q32.3.
Variant type: single nucleotide variant.
Coding change: c.412G>A on transcript NM_000282.4 (MANE Select); coding-DNA position 412, G replaced by A.
Protein change: p.Ala138Thr; replaces alanine 138 with threonine.
Molecular consequence: missense variant. On other transcripts: 5 prime UTR variant (3), non-coding transcript variant (5).
Genome position (GRCh38, 1-based): chr13:100,155,090, G>A. VCF-style: chr13-100155090-G-A. GRCh37 (hg19) VCF-style: chr13-100807344-G-A.
Other names: c.334G>A, p.Ala112Thr (NM_001127692.3, NM_001352607.2, NM_001352608.2); c.412G>A, p.Ala138Thr (NM_001178004.2, NM_001352605.2, NM_001352606.2 and 1 more transcripts); c.-455G>A (NM_001352610.2, NM_001352611.2, NM_001352612.2); short protein forms A138T, A112T.
Identifiers: ClinVar variation 38867 (VCV000038867.11), dbSNP rs202247814, ClinGen allele CA343123.
Genomic context (GRCh38, chr13:100,155,090, plus strand): 5'-AGTAAAAGCTACCTCAACATGGATGCCATCATGGAAGCCATTAAGAAAACCAGGGCCCAA[G>A]CTGTGAGTCTGAATGAATCTATCTACTGCAGCTGTTTCATATGTAGTGAGCAGAAAGCTA-3'
Protein context (NP_000273.2, residues 128-148): MEAIKKTRAQ[Ala138Thr]VHPGYGFLSE

ClinVar aggregate classification (germline): Pathogenic/Likely pathogenic. Review status: criteria provided, multiple submitters, no conflicts (2 of 4 stars). 5 submissions from 5 submitters: Pathogenic (2); Likely pathogenic (2). 1 of the submissions does not count toward it. Last evaluated 2025-10-07.

Conditions:
Propionic acidemia (PROP). Also called: GLYCINEMIA, KETOTIC; HYPERGLYCINEMIA WITH KETOACIDOSIS AND LEUKOPENIA; KETOTIC HYPERGLYCINEMIA. Identifiers: Orphanet 35, MedGen C0268579, MONDO:0011628, OMIM 606054, HP:0003571.

Allele frequency attached by ClinVar (database versions not stated): gnomAD exomes below 0.00001; TOPMed below 0.00001.
gnomAD v4.1: 1 of 1,597,622 alleles (0.000063%); highest among the groups gnomAD compares: East Asian, 0.0022%; no homozygotes.

Submissions (5):

Variantyx, Inc.
Classification: Likely pathogenic for Propionic acidemia. Last evaluated: 2025-10-07. Review status: criteria provided, single submitter. Criteria: Variantyx Assertion Criteria 2022. Collection method: clinical testing. Allele origin: germline. Inheritance: Autosomal recessive inheritance.
Comment: This is a nonsynonymous variant in the PCCA gene (OMIM: 232000). Pathogenic variants in this gene have been associated with autosomal recessive propionic acidemia. Functional studies have shown that this variant alters PCCA protein function (PMID: 12385775) (PS3), and multiple computational algorithms predict a deleterious effect for this variant (REVEL score: 0.947) (PP3). This variant has a 0.0025% maximum allele frequency in non-founder control populations (PM2). Based on the current evidence, this variant is classified as likely pathogenic for autosomal recessive propionic acidemia.

Natera, Inc.
Classification: Likely pathogenic for Propionic acidemia. Last evaluated: 2025-08-23. Review status: criteria provided, single submitter. Criteria: Natera Variant Classification Schema (03/2026). Collection method: clinical testing. Allele origin: germline.
Comment: The c.412G>A variant in PCCA is a missense variant predicted to cause substitution of alanine to threonine at amino acid 138. This variant is rare in the general population with a frequency below the threshold expected for the associated phenotype(s). This variant has been observed in one or more individuals affected with the associated recessive disease, as either homozygous or compound heterozygous with a second variant (PMID: 24059531, 10101253, 10780784). Functional studies show that this variant may disrupt protein function (PMID: 23648696). Computational prediction algorithms indicate this variant is likely to affect gene or protein function. Given the available evidence, this variant is classified as Likely Pathogenic.

Labcorp Genetics (formerly Invitae), Labcorp
Classification: Pathogenic for Propionic acidemia. Last evaluated: 2023-09-25. Review status: criteria provided, single submitter. Criteria: Invitae Variant Classification Sherloc (09022015). Collection method: clinical testing. Allele origin: germline.
Comment: For these reasons, this variant has been classified as Pathogenic. Experimental studies have shown that this missense change affects PCCA function (PMID: 12385775). This sequence change replaces alanine, which is neutral and non-polar, with threonine, which is neutral and polar, at codon 138 of the PCCA protein (p.Ala138Thr). This variant is not present in population databases (gnomAD no frequency). This missense change has been observed in individual(s) with propionic acidemia (PMID: 10101253; Invitae). In at least one individual the data is consistent with being in trans (on the opposite chromosome) from a pathogenic variant. This variant is also known as p.Ala113Thr. ClinVar contains an entry for this variant (Variation ID: 38867). An algorithm developed to predict the effect of missense changes on protein structure and function (PolyPhen-2) suggests that this variant is likely to be disruptive.

Women's Health and Genetics/Laboratory Corporation of America, LabCorp
Classification: Pathogenic for Propionic acidemia. Last evaluated: 2023-09-19. Review status: criteria provided, single submitter. Criteria: LabCorp Variant Classification Summary - May 2015. Collection method: clinical testing. Allele origin: germline.
Comment: Variant summary: PCCA c.412G>A (p.Ala138Thr) results in a non-conservative amino acid change located in the Biotin carboxylase-like, N-terminal domain (IPR005481) of the encoded protein sequence. Five of five in-silico tools predict a damaging effect of the variant on protein function. Consensus agreement among computation tools predict no significant impact on normal splicing. However, these predictions have yet to be confirmed by functional studies. The variant was absent in 251356 control chromosomes (gnomAD). c.412G>A (also known as p.Ala113Thr) has been reported in the literature in individuals affected with Propionic Acidemia (examples: Richard_1997, Perez-Cerda_2000, Nizon_2013). These data indicate that the variant is likely to be associated with disease. At least one publication reports experimental evidence evaluating an impact on protein function. The most pronounced variant effect results in <10% of normal activity (Perez-Cerda_2000). The following publications have been ascertained in the context of this evaluation (PMID: 32778825, 24059531, 10780784, 10101253). No submitters have cited clinical-significance assessments for this variant to ClinVar after 2014. Based on the evidence outlined above, the variant was classified as pathogenic.

GeneReviews
No classification provided. Condition: Propionic acidemia. Review status: no classification provided. Collection method: literature only. Allele origin: unknown. Not counted in ClinVar's aggregate classification.

Literature cited by the submitters: PubMed 12385775 (cited by Variantyx, Inc. and Labcorp Genetics (formerly Invitae), Labcorp); PubMed 10101253 (cited by 4 submitters); PubMed 24059531 (cited by Natera, Inc. and Women's Health and Genetics/Laboratory Corporation of America, LabCorp); PubMed 10780784 (cited by Natera, Inc. and Women's Health and Genetics/Laboratory Corporation of America, LabCorp); PubMed 23648696 (cited by Natera, Inc.); PubMed 32778825 (cited by Women's Health and Genetics/Laboratory Corporation of America, LabCorp); PubMed 22593918 (cited by GeneReviews); NCBI Bookshelf NBK92946 (cited by GeneReviews).